The following is an entry in ClinVar:

ClinVar aggregate classification (germline): Likely benign. Review status: criteria provided, multiple submitters, no conflicts (2 of 4 stars). 2 submissions from 2 submitters: Likely benign (2). Last evaluated 2024-12-19.

Conditions:
Lynch syndrome 5 (LYNCH5). Also called: Hereditary non-polyposis colorectal cancer, type 5; Colorectal cancer, hereditary nonpolyposis, type 5. Identifiers: Orphanet 144, MedGen C1833477, MONDO:0013710, OMIM 614350. Disease mechanism: loss of function.
Hereditary nonpolyposis colorectal neoplasms. Identifiers: MedGen C0009405, MeSH D003123.

gnomAD v4.1: 1 of 1,613,600 alleles (0.000062%); highest among the groups gnomAD compares: Non-Finnish European, 0.000085%; no homozygotes.

Submissions (2):

Myriad Genetics, Inc.
Classification: Likely benign for Lynch syndrome 5. Last evaluated: 2024-12-19. Review status: criteria provided, single submitter. Criteria: Myriad Autosomal Dominant, Autosomal Recessive and X-Linked Classification Criteria (2023). Collection method: clinical testing. Allele origin: unknown.
Comment: This variant is considered likely benign. This variant is intronic and is not expected to impact mRNA splicing.

Labcorp Genetics (formerly Invitae), Labcorp
Classification: Likely benign for Hereditary nonpolyposis colorectal neoplasms. Last evaluated: 2022-03-15. Review status: criteria provided, single submitter. Criteria: Invitae Variant Classification Sherloc (09022015). Collection method: clinical testing. Allele origin: germline.

NM_000179.3(MSH6):c.627+7C>T

Gene: MSH6 (mutS homolog 6; plus strand). Cytogenetic location: 2p16.3.
Variant type: single nucleotide variant.
Coding change: c.627+7C>T on transcript NM_000179.3 (MANE Select); 7 bases into the intron after coding-DNA position 627, C replaced by T.
Molecular consequence: intron variant.
Genome position (GRCh38, 1-based): chr2:47,796,070, C>T. VCF-style: chr2-47796070-C-T. GRCh37 (hg19) VCF-style: chr2-48023209-C-T.
Other names: c.-279-2541C>T (NM_001281493.2); c.238-2541C>T (NM_001281492.2); c.-276+7C>T (NM_001281494.2).
Identifiers: ClinVar variation 525872 (VCV000525872.10), dbSNP rs1553411516, ClinGen allele CA658795748.